The following is an entry in ClinVar:

NM_001099403.2(PRDM8):c.68C>A (p.Thr23Lys)

Gene: PRDM8 (PR/SET domain 8; plus strand). Cytogenetic location: 4q21.21.
Variant type: single nucleotide variant.
Coding change: c.68C>A on transcript NM_001099403.2 (MANE Select); coding-DNA position 68, C replaced by A.
Protein change: p.Thr23Lys; replaces threonine 23 with lysine.
Molecular consequence: missense variant.
Genome position (GRCh38, 1-based): chr4:80,200,148, C>A. VCF-style: chr4-80200148-C-A. GRCh37 (hg19) VCF-style: chr4-81121302-C-A.
Other names: c.68C>A, p.Thr23Lys (NM_020226.4); short protein forms T23K.
Identifiers: ClinVar variation 859834 (VCV000859834.7), dbSNP rs752328279, ClinGen allele CA2982121.

ClinVar aggregate classification (germline): Uncertain significance (1 of 4 stars; one submission).

Conditions:
Early-onset Lafora body disease. Also called: Epilepsy, progressive myoclonic, 10. Identifiers: Orphanet 324290, MedGen C4225258, MONDO:0014717, OMIM 616640.

Allele frequency attached by ClinVar (database versions not stated): TOPMed below 0.00001; ExAC 0.00001; gnomAD 0.00001.
gnomAD v4.1: 27 of 1,614,008 alleles (0.0017%); highest among the groups gnomAD compares: Admixed American, 0.0083%; no homozygotes.

Submission:

Labcorp Genetics (formerly Invitae), Labcorp
Classification: Uncertain significance for Early-onset Lafora body disease. Last evaluated: 2022-07-19. Review status: criteria provided, single submitter. Criteria: Invitae Variant Classification Sherloc (09022015). Collection method: clinical testing. Allele origin: germline.
Comment: This sequence change replaces threonine, which is neutral and polar, with lysine, which is basic and polar, at codon 23 of the PRDM8 protein (p.Thr23Lys). This variant is present in population databases (rs752328279, gnomAD 0.009%). This variant has not been reported in the literature in individuals affected with PRDM8-related conditions. ClinVar contains an entry for this variant (Variation ID: 859834). Algorithms developed to predict the effect of missense changes on protein structure and function are either unavailable or do not agree on the potential impact of this missense change (SIFT: "Deleterious"; PolyPhen-2: "Possibly Damaging"; Align-GVGD: "Class C0"). In summary, the available evidence is currently insufficient to determine the role of this variant in disease. Therefore, it has been classified as a Variant of Uncertain Significance.